The following is an entry in ClinVar:

ClinVar aggregate classification (germline): Uncertain significance (1 of 4 stars; one submission).

Conditions:
Inborn genetic diseases. Identifiers: MedGen C0950123, MeSH D030342.

gnomAD v4.1: 1 of 1,614,104 alleles (0.000062%); highest among the groups gnomAD compares: Admixed American, 0.0017%; no homozygotes.

Submission:

Ambry Genetics
Classification: Uncertain significance for Inborn genetic diseases. Last evaluated: 2026-05-17. Review status: criteria provided, single submitter. Criteria: Ambry Variant Classification Scheme 2023. Collection method: clinical testing. Allele origin: germline.
Comment: The p.K156E variant (also known as c.466A>G), located in coding exon 3 of the MBD4 gene, results from an A to G substitution at nucleotide position 466. The lysine at codon 156 is replaced by glutamic acid, an amino acid with similar properties. This amino acid position is conserved. In addition, the in silico prediction for this alteration is inconclusive. Based on the available evidence, the clinical significance of this variant remains unclear.

NM_001276270.2(MBD4):c.466A>G (p.Lys156Glu)

Gene: MBD4 (methyl-CpG binding domain 4, DNA glycosylase; minus strand). Cytogenetic location: 3q21.3.
Variant type: single nucleotide variant.
Coding change: c.466A>G on transcript NM_001276270.2 (MANE Select); coding-DNA position 466, A replaced by G.
Protein change: p.Lys156Glu; replaces lysine 156 with glutamic acid.
Molecular consequence: missense variant. On other transcripts: intron variant (1).
Genome position (GRCh38, 1-based): chr3:129,437,178, T>C on the plus strand (A>G on the coding strand, the complement: MBD4 is on the minus strand). VCF-style: chr3-129437178-T-C. GRCh37 (hg19) VCF-style: chr3-129156021-T-C.
Other names: c.466A>G, p.Lys156Glu (NM_001276271.2, NM_001276272.2, NM_003925.3); c.247+630A>G (NM_001276273.2); short protein forms K156E.
Identifiers: ClinVar variation 4859608 (VCV004859608.1).
Genomic context (GRCh38, chr3:129,437,178, plus strand): 5'-AGTTTGAATTGTTACTTTGGTTTTGTAGATGGGATGTCAGGGCTGCCATGCTGCAGTCTT[T>C]ATATCTTGACTTGATACCCCTTTTAGAAAGTACAGTAAAATCAAAATCTTCTGGCTTAAG-3'
Protein context (NP_001263199.1, residues 146-166): LSKRGIKSRY[Lys156Glu]DCSMAALTSH